The following is an entry in ClinVar:

ClinVar aggregate classification (germline): Pathogenic/Likely pathogenic. Review status: criteria provided, multiple submitters, no conflicts (2 of 4 stars). 2 submissions from 2 submitters: Pathogenic (1); Likely pathogenic (1). Last evaluated 2022-08-30.

Conditions:
Retinal dystrophy. Also called: Inherited retinal dystrophy. Identifiers: Orphanet 71862, MedGen C0854723, MeSH D058499, MONDO:0019118, HP:0000556.

Submissions (2):

Labcorp Genetics (formerly Invitae), Labcorp
Classification: Pathogenic. Last evaluated: 2022-08-30. Review status: criteria provided, single submitter. Criteria: Invitae Variant Classification Sherloc (09022015). Collection method: clinical testing. Allele origin: germline.
Comment: This sequence change replaces leucine, which is neutral and non-polar, with arginine, which is basic and polar, at codon 21 of the BEST1 protein (p.Leu21Arg). This variant is not present in population databases (gnomAD no frequency). This missense change has been observed in individuals with autosomal dominant BEST1-related conditions (PMID: 29555955). Advanced modeling of protein sequence and biophysical properties (such as structural, functional, and spatial information, amino acid conservation, physicochemical variation, residue mobility, and thermodynamic stability) performed at Invitae indicates that this missense variant is expected to disrupt BEST1 protein function. This variant disrupts the p.Leu21 amino acid residue in BEST1. Other variant(s) that disrupt this residue have been determined to be pathogenic (PMID: 10737974, 21878505, 29668979). This suggests that this residue is clinically significant, and that variants that disrupt this residue are likely to be disease-causing. For these reasons, this variant has been classified as Pathogenic.

Institute of Human Genetics, Univ. Regensburg, Univ. Regensburg
Classification: Likely pathogenic for Retinal dystrophy. Last evaluated: 2019-01-01. Review status: criteria provided, single submitter. Criteria: ACMG Guidelines, 2015. Collection method: clinical testing. Allele origin: germline. Affected: yes.

Literature cited by the submitters: PubMed 29555955 (cited by Labcorp Genetics (formerly Invitae), Labcorp and Institute of Human Genetics, Univ. Regensburg, Univ. Regensburg); PubMed 10737974 (cited by Labcorp Genetics (formerly Invitae), Labcorp); PubMed 21878505 (cited by Labcorp Genetics (formerly Invitae), Labcorp); PubMed 29668979 (cited by Labcorp Genetics (formerly Invitae), Labcorp).

NM_004183.4(BEST1):c.62T>G (p.Leu21Arg)

Gene: BEST1 (bestrophin 1; plus strand). Cytogenetic location: 11q12.3.
Variant type: single nucleotide variant.
Coding change: c.62T>G on transcript NM_004183.4 (MANE Select); coding-DNA position 62, T replaced by G.
Protein change: p.Leu21Arg; replaces leucine 21 with arginine.
Molecular consequence: missense variant. On other transcripts: non-coding transcript variant (1), intron variant (6).
Genome position (GRCh38, 1-based): chr11:61,951,868, T>G. VCF-style: chr11-61951868-T-G. GRCh37 (hg19) VCF-style: chr11-61719340-T-G.
Other names: c.62T>G, p.Leu21Arg (NM_001363592.2, NM_001440571.1, NM_001440572.1 and 1 more transcripts); c.-29+1441T>G (NM_001139443.3, NM_001300787.2, NM_001440574.1 and 3 more transcripts); short protein forms L21R.
Identifiers: ClinVar variation 2152113 (VCV002152113.5), dbSNP rs758726044, ClinGen allele CA380831403.